The following is an entry in ClinVar:

NM_001384140.1(PCDH15):c.2205del (p.Phe735fs)

Gene: PCDH15 (protocadherin related 15; minus strand). Cytogenetic location: 10q21.1.
Variant type: Deletion.
Coding change: c.2205del on transcript NM_001384140.1 (MANE Select); coding-DNA position 2205, one base deleted (T; older notation c.2205delT).
Protein change: p.Phe735fs; shifts the reading frame from phenylalanine 735.
Molecular consequence: frameshift variant.
Genome position (GRCh38, 1-based): chr10:54,066,772, A deleted on the plus strand (T on the coding strand, the reverse complement: PCDH15 is on the minus strand); the first of 3 consecutive A bases (chr10:54,066,772-54,066,774); deleting any one gives the same sequence. VCF-style (leftmost placement, unchanged base first): chr10-54066771-CA-C. GRCh37 (hg19) VCF-style: chr10-55826531-CA-C.
Other names: c.2220del, p.Phe740fs (NM_001142763.2, NM_001142771.2); c.2205del, p.Phe735fs (NM_001142764.2, NM_001142766.2, NM_001142770.3 and 5 more transcripts); c.1992del, p.Phe664fs (NM_001142765.2); c.2094del, p.Phe698fs (NM_001142767.2); c.2139del, p.Phe713fs (NM_001142768.2, NM_001142773.2, NM_001354404.2); c.2239delT, p.Phe747Leufs (NM_001142769.4); c.2226del, p.Phe742fs (NM_001354411.2); short protein forms F664fs, F698fs, F713fs, F735fs, F740fs, F742fs, F747fs.
Identifiers: ClinVar variation 1724187 (VCV001724187.2), dbSNP rs2539766693, ClinGen allele CA2580081626.
Genomic context (GRCh38, chr10:54,066,771, plus strand): 5'-CTCTTTGAAAAACTACATATAAGATCTATATAAATATTCCACTTACTTTTACTTGACCCA[CA>C]AAGGCATTGGCTTCTTCTTCCACCACAGATAAATTTCTTGGCAGATAAGGATCAAACACT-3'

ClinVar aggregate classification (germline): Likely pathogenic (1 of 4 stars; one submission).

Conditions:
Usher syndrome type 1D (USH1D). Also called: USHER SYNDROME, TYPE ID. Identifiers: Orphanet 231169, Orphanet 886, MedGen C1832845, MONDO:0010984, OMIM 601067.

Submission:

Myriad Genetics, Inc.
Classification: Likely pathogenic for Usher syndrome type 1D. Last evaluated: 2022-01-31. Review status: criteria provided, single submitter. Criteria: Myriad Women's Health Autosomal Recessive and X-Linked Classification Criteria (2021). Collection method: clinical testing. Allele origin: unknown.
Comment: NM_033056.3(PCDH15):c.2205delT(F735Lfs*5) is expected to be pathogenic in the context of PCDH15-related disorders. This variant is predicted to lead to an abnormal or absent protein product due to the creation of a premature termination codon in PCDH15, a gene where loss-of-function variants are known to be pathogenic. Please note: this variant was assessed in the context of healthy population screening.